The following is an entry in ClinVar:

NM_013447.4(ADGRE2):c.961C>G (p.Leu321Val)

Gene: ADGRE2 (adhesion G protein-coupled receptor E2; minus strand). Cytogenetic location: 19p13.12.
Variant type: single nucleotide variant.
Coding change: c.961C>G on transcript NM_013447.4 (MANE Select); coding-DNA position 961, C replaced by G.
Protein change: p.Leu321Val; replaces leucine 321 with valine.
Molecular consequence: missense variant.
Genome position (GRCh38, 1-based): chr19:14,764,556, G>C on the plus strand (C>G on the coding strand, the complement: ADGRE2 is on the minus strand). VCF-style: chr19-14764556-G-C. GRCh37 (hg19) VCF-style: chr19-14875368-G-C.
Other names: c.961C>G (NM_013447.2); c.961C>G, p.Leu321Val (NM_001271052.1); c.814C>G, p.Leu272Val (NM_152916.2); c.682C>G, p.Leu228Val (NM_152917.2); short protein forms L321V, L228V, L272V.
Identifiers: ClinVar variation 2148252 (VCV002148252.5), dbSNP rs371644267, ClinGen allele CA9257836.

ClinVar aggregate classification (germline): Uncertain significance. Review status: criteria provided, multiple submitters, no conflicts (2 of 4 stars). 2 submissions from 2 submitters: Uncertain significance (2). Last evaluated 2025-05-18.

Allele frequency attached by ClinVar (database versions not stated): gnomAD exomes below 0.00001; gnomAD 0.00001; TOPMed 0.00002; ExAC 0.00004.
gnomAD v4.1: 11 of 1,612,754 alleles (0.00068%); highest among the groups gnomAD compares: East Asian, 0.0067%; no homozygotes.

Submissions (2):

Ambry Genetics
Classification: Uncertain significance. Last evaluated: 2025-05-18. Review status: criteria provided, single submitter. Criteria: Ambry Variant Classification Scheme 2023. Collection method: clinical testing. Allele origin: germline.

Labcorp Genetics (formerly Invitae), Labcorp
Classification: Uncertain significance. Last evaluated: 2025-01-23. Review status: criteria provided, single submitter. Criteria: Invitae Variant Classification Sherloc (09022015). Collection method: clinical testing. Allele origin: germline.
Comment: This sequence change replaces leucine, which is neutral and non-polar, with valine, which is neutral and non-polar, at codon 321 of the ADGRE2 protein (p.Leu321Val). This variant is present in population databases (rs371644267, gnomAD 0.02%). This variant has not been reported in the literature in individuals affected with ADGRE2-related conditions. ClinVar contains an entry for this variant (Variation ID: 2148252). An algorithm developed to predict the effect of missense changes on protein structure and function (PolyPhen-2) suggests that this variant is likely to be disruptive. In summary, the available evidence is currently insufficient to determine the role of this variant in disease. Therefore, it has been classified as a Variant of Uncertain Significance.